The following is an entry in ClinVar:

ClinVar aggregate classification (germline): Pathogenic (1 of 4 stars; one submission).

Conditions:
Familial thoracic aortic aneurysm and aortic dissection (TAAD). Also called: Thoracic aortic aneurysms and dissections. Identifiers: Orphanet 91387, MedGen C4707243, MONDO:0019625.

Submission:

Ambry Genetics
Classification: Pathogenic for Familial thoracic aortic aneurysm and aortic dissection. Last evaluated: 2024-11-05. Review status: criteria provided, single submitter. Criteria: Ambry Variant Classification Scheme 2023. Collection method: clinical testing. Allele origin: germline.
Comment: The p.E806* pathogenic mutation (also known as c.2416G>T), located in coding exon 19 of the FBN1 gene, results from a G to T substitution at nucleotide position 2416. This changes the amino acid from a glutamic acid to a stop codon within coding exon 19. This variant is considered to be rare based on population cohorts in the Genome Aggregation Database (gnomAD). This alteration is expected to result in loss of function by premature protein truncation or nonsense-mediated mRNA decay. As such, this alteration is interpreted as a disease-causing mutation.

NM_000138.5(FBN1):c.2416G>T (p.Glu806Ter)

Gene: FBN1 (fibrillin 1; minus strand). Cytogenetic location: 15q21.1.
Variant type: single nucleotide variant.
Coding change: c.2416G>T on transcript NM_000138.5 (MANE Select); coding-DNA position 2416, G replaced by T.
Protein change: p.Glu806Ter; replaces glutamic acid 806 with a stop codon.
Molecular consequence: nonsense.
Genome position (GRCh38, 1-based): chr15:48,496,103, C>A on the plus strand (G>T on the coding strand, the complement: FBN1 is on the minus strand). VCF-style: chr15-48496103-C-A. GRCh37 (hg19) VCF-style: chr15-48788300-C-A.
Other names: c.2416G>T, p.Glu806Ter (NM_001406716.1); short protein forms E806*.
Identifiers: ClinVar variation 3513550 (VCV003513550.1).